The following is an entry in ClinVar:

NM_000256.3(MYBPC3):c.2149-8C>G

Gene: MYBPC3 (myosin binding protein C3; minus strand). Cytogenetic location: 11p11.2.
Variant type: single nucleotide variant.
Coding change: c.2149-8C>G on transcript NM_000256.3 (MANE Select); 8 bases into the intron before coding-DNA position 2149, C replaced by G.
Molecular consequence: intron variant.
Genome position (GRCh38, 1-based): chr11:47,338,687, G>C on the plus strand (C>G on the coding strand, the complement: MYBPC3 is on the minus strand). VCF-style: chr11-47338687-G-C. GRCh37 (hg19) VCF-style: chr11-47360238-G-C.
Identifiers: ClinVar variation 42600 (VCV000042600.20), dbSNP rs397515950, ClinGen allele CA011780.
Genomic context (GRCh38, chr11:47,338,687, plus strand): 5'-CTGCGGTCCTTGGTGGTCTCCACGCGGACCCGGCCCTCGGTCTCACACAGCAGCTGGGGG[G>C]GTGCAGAGTTGGGGTGAGATCCAAGTCAGACCCCAGAGGCCCTTGCAGCCTCCGCCAACA-3'

ClinVar aggregate classification (germline): Conflicting classifications of pathogenicity. Review status: criteria provided, conflicting classifications (1 of 4 stars). 6 submissions from 6 submitters: Uncertain significance (1); Benign (1); Likely benign (3). 1 of the submissions does not count toward it. Last evaluated 2026-01-14.

Conditions:
MYBPC3-related disorder. Also called: MYBPC3-related disorders; MYBPC3-related condition; MYBPC3-related disease.
Cardiomyopathy (CMYO). Also called: Cardiomyopathies. Identifiers: Orphanet 167848, MedGen C0878544, MONDO:0004994, HP:0001638. Inheritance: Various modes of inheritance.
Hypertrophic cardiomyopathy. Also called: HYPERTROPHIC MYOCARDIOPATHY. Identifiers: Orphanet 217569, MedGen C0007194, MeSH D002312, MONDO:0005045, HP:0001639.

Allele frequency attached by ClinVar (database versions not stated): gnomAD 0.00004; TOPMed 0.00004.

Submissions (6):

Labcorp Genetics (formerly Invitae), Labcorp
Classification: Likely benign for Hypertrophic cardiomyopathy. Last evaluated: 2026-01-14. Review status: criteria provided, single submitter. Criteria: Invitae Variant Classification Sherloc (09022015). Collection method: clinical testing. Allele origin: germline.

Blueprint Genetics
Classification: Likely benign. Last evaluated: 2024-09-14. Review status: criteria provided, single submitter. Criteria: ACMG Guidelines, 2015. Collection method: clinical testing. Allele origin: germline.

Laboratory for Molecular Medicine, Mass General Brigham Personalized Medicine
Classification: Uncertain significance. Last evaluated: 2023-07-21. Review status: criteria provided, single submitter. Criteria: ACMG Guidelines, 2015. Collection method: clinical testing. Allele origin: germline.
Comment: proposed classification - variant undergoing re-assessment, contact laboratory

Color Diagnostics, LLC DBA Color Health
Classification: Likely benign for Cardiomyopathy. Last evaluated: 2018-10-30. Review status: criteria provided, single submitter. Criteria: ACMG Guidelines, 2015. Collection method: clinical testing. Allele origin: germline.

GeneDx
Classification: Benign. Last evaluated: 2011-07-12. Review status: criteria provided, single submitter. Criteria: GeneDx Variant Classification (06012015). Collection method: clinical testing. Allele origin: germline. Affected: yes.
Comment: This variant is considered likely benign or benign based on one or more of the following criteria: it is a conservative change, it occurs at a poorly conserved position in the protein, it is predicted to be benign by multiple in silico algorithms, and/or has population frequency not consistent with disease.

PreventionGenetics, part of Exact Sciences
Classification: Likely benign for MYBPC3-related condition. Last evaluated: 2020-09-18. Review status: no assertion criteria provided. Collection method: clinical testing. Allele origin: germline. Not counted in ClinVar's aggregate classification.
Comment: This variant is classified as likely benign based on ACMG/AMP sequence variant interpretation guidelines (Richards et al. 2015 PMID: 25741868, with internal and published modifications).

Literature cited by the submitters: PubMed 23233322 (cited by Laboratory for Molecular Medicine, Mass General Brigham Personalized Medicine).